The following is an entry in ClinVar:

NM_000629.3(IFNAR1):c.17T>C (p.Leu6Pro)

Genes: IFNAR1 (interferon alpha and beta receptor subunit 1; plus strand), LOC119230225 (IFNAR1 promoter region; plus strand). Cytogenetic location: 21q22.11.
Variant type: single nucleotide variant.
Coding change: c.17T>C on transcript NM_000629.3 (MANE Select); coding-DNA position 17, T replaced by C.
Protein change: p.Leu6Pro; replaces leucine 6 with proline.
Molecular consequence: missense variant. On other transcripts: 5 prime UTR variant (2), intron variant (1).
Genome position (GRCh38, 1-based): chr21:33,325,072, T>C. VCF-style: chr21-33325072-T-C. GRCh37 (hg19) VCF-style: chr21-34697377-T-C.
Other names: c.17T>C, p.Leu6Pro (NM_001384498.1, NM_001384499.1, NM_001384501.1 and 1 more transcripts); c.-770T>C (NM_001384500.1); c.-367T>C (NM_001384502.1); c.-132+434T>C (NM_001384504.1); c.17T>C (NM_000629.2); short protein forms L6P.
Identifiers: ClinVar variation 1497945 (VCV001497945.9), dbSNP rs1261792292, ClinGen allele CA410104896.
Genomic context (GRCh38, chr21:33,325,072, plus strand): 5'-GCGTGCGCGAACATGTAACTGGTGGGATCTGCGGCGGCTCCCAGATGATGGTCGTCCTCC[T>C]GGGCGCGACGACCCTAGTGCTCGTCGCCGTGGCGCCATGGGTGTTGTCCGCAGCCGCAGG-3'
Protein context (NP_000620.2, residues 1-16): MMVVL[Leu6Pro]GATTLVLVAV

ClinVar aggregate classification (germline): Uncertain significance. Review status: criteria provided, multiple submitters, no conflicts (2 of 4 stars). 2 submissions from 2 submitters: Uncertain significance (2). Last evaluated 2025-08-01.

Allele frequency attached by ClinVar (database versions not stated): gnomAD 0.00001; gnomAD exomes 0.00001; TOPMed 0.00002.
gnomAD v4.1: 9 of 1,608,522 alleles (0.00056%); highest among the groups gnomAD compares: African/African-American, 0.008%; no homozygotes.

Submissions (2):

Ambry Genetics
Classification: Uncertain significance. Last evaluated: 2025-08-01. Review status: criteria provided, single submitter. Criteria: Ambry Variant Classification Scheme 2023. Collection method: clinical testing. Allele origin: germline.

Labcorp Genetics (formerly Invitae), Labcorp
Classification: Uncertain significance. Last evaluated: 2022-11-22. Review status: criteria provided, single submitter. Criteria: Invitae Variant Classification Sherloc (09022015). Collection method: clinical testing. Allele origin: germline.
Comment: In summary, the available evidence is currently insufficient to determine the role of this variant in disease. Therefore, it has been classified as a Variant of Uncertain Significance. Algorithms developed to predict the effect of missense changes on protein structure and function are either unavailable or do not agree on the potential impact of this missense change (SIFT: "Tolerated"; PolyPhen-2: "Not Available"; Align-GVGD: "Class C0"). ClinVar contains an entry for this variant (Variation ID: 1497945). This variant has not been reported in the literature in individuals affected with IFNAR1-related conditions. This variant is present in population databases (no rsID available, gnomAD 0.01%). This sequence change replaces leucine, which is neutral and non-polar, with proline, which is neutral and non-polar, at codon 6 of the IFNAR1 protein (p.Leu6Pro).